The following is an entry in ClinVar:

ClinVar aggregate classification (germline): Uncertain significance (1 of 4 stars; one submission).

Conditions:
2-aminoadipic 2-oxoadipic aciduria (AAKAD). Also called: Aminoadipic aciduria; ALPHA-AMINOADIPIC AND ALPHA-KETOADIPIC ACIDURIA. Identifiers: Orphanet 79154, MedGen C1859817, MONDO:0008774, OMIM 204750.

Submission:

Labcorp Genetics (formerly Invitae), Labcorp
Classification: Uncertain significance for 2-aminoadipic 2-oxoadipic aciduria. Last evaluated: 2024-09-02. Review status: criteria provided, single submitter. Criteria: Invitae Variant Classification Sherloc (09022015). Collection method: clinical testing. Allele origin: germline.
Comment: This sequence change replaces glutamine, which is neutral and polar, with proline, which is neutral and non-polar, at codon 309 of the DHTKD1 protein (p.Gln309Pro). This variant is not present in population databases (gnomAD no frequency). This variant has not been reported in the literature in individuals affected with DHTKD1-related conditions. Invitae Evidence Modeling of protein sequence and biophysical properties (such as structural, functional, and spatial information, amino acid conservation, physicochemical variation, residue mobility, and thermodynamic stability) indicates that this missense variant is not expected to disrupt DHTKD1 protein function with a negative predictive value of 80%. In summary, the available evidence is currently insufficient to determine the role of this variant in disease. Therefore, it has been classified as a Variant of Uncertain Significance.

NM_018706.7(DHTKD1):c.926A>C (p.Gln309Pro)

Gene: DHTKD1 (dehydrogenase E1 and transketolase domain containing 1; plus strand). Cytogenetic location: 10p14.
Variant type: single nucleotide variant.
Coding change: c.926A>C on transcript NM_018706.7 (MANE Select); coding-DNA position 926, A replaced by C.
Protein change: p.Gln309Pro; replaces glutamine 309 with proline.
Molecular consequence: missense variant.
Genome position (GRCh38, 1-based): chr10:12,089,194, A>C. VCF-style: chr10-12089194-A-C. GRCh37 (hg19) VCF-style: chr10-12131193-A-C.
Other names: short protein forms Q309P.
Identifiers: ClinVar variation 3696231 (VCV003696231.2).